The following is an entry in ClinVar:

NM_001813.3(CENPE):c.213C>T (p.Ile71=)

Gene: CENPE (centromere protein E; minus strand). Cytogenetic location: 4q24.
Variant type: single nucleotide variant.
Coding change: c.213C>T on transcript NM_001813.3 (MANE Select); coding-DNA position 213, C replaced by T.
Protein change: p.Ile71=; no amino-acid change (isoleucine 71 retained).
Molecular consequence: synonymous variant.
Genome position (GRCh38, 1-based): chr4:103,196,188, G>A on the plus strand (C>T on the coding strand, the complement: CENPE is on the minus strand). VCF-style: chr4-103196188-G-A. GRCh37 (hg19) VCF-style: chr4-104117345-G-A.
Other names: c.213C>T, p.Ile71= (NM_001286734.2).
Identifiers: ClinVar variation 724885 (VCV000724885.26), dbSNP rs139688608, ClinGen allele CA3030817.

ClinVar aggregate classification (germline): Likely benign. Review status: criteria provided, multiple submitters, no conflicts (2 of 4 stars). 6 submissions from 6 submitters: Likely benign (6). Last evaluated 2026-06-22.

Conditions:
CENPE-related disorder. Also called: CENPE-related condition.

Allele frequency attached by ClinVar (database versions not stated): gnomAD 0.00013; ExAC 0.00021; gnomAD exomes 0.00022; TOPMed 0.00023; 1000 Genomes Project 30x 0.00031; ESP Exome Variant Server 0.00038; 1000 Genomes Project 0.00040.
gnomAD v4.1: 267 of 1,613,686 alleles (0.017%); highest among the groups gnomAD compares: Admixed American, 0.082%; 1 homozygote.

Submissions (6):

PreventionGenetics, part of Exact Sciences
Classification: Likely benign for CENPE-related condition. Last evaluated: 2026-06-22. Review status: criteria provided, single submitter. Criteria: ACMG Guidelines, 2015. Collection method: clinical testing. Allele origin: germline.
Comment: This variant is classified as likely benign based on ACMG/AMP sequence variant interpretation guidelines (Richards et al. 2015 PMID: 25741868, with internal and published modifications).

Women's Health and Genetics/Laboratory Corporation of America, LabCorp
Classification: Likely benign. Last evaluated: 2026-06-17. Review status: criteria provided, single submitter. Criteria: LabCorp Variant Classification Summary - May 2015. Collection method: clinical testing. Allele origin: germline.

Blueprint Genetics
Classification: Likely benign. Last evaluated: 2024-10-09. Review status: criteria provided, single submitter. Criteria: ACMG Guidelines, 2015. Collection method: clinical testing. Allele origin: germline.

CeGaT Center for Human Genetics Tuebingen
Classification: Likely benign. Last evaluated: 2024-05-01. Review status: criteria provided, single submitter. Criteria: CeGaT Center For Human Genetics Tuebingen Variant Classification Criteria Version 2. Collection method: clinical testing. Allele origin: germline. Affected: yes. Observed: 1 variant allele.
Comment: CENPE: BP4, BP7

Labcorp Genetics (formerly Invitae), Labcorp
Classification: Likely benign. Last evaluated: 2018-01-26. Review status: criteria provided, single submitter. Criteria: Invitae Variant Classification Sherloc (09022015). Collection method: clinical testing. Allele origin: germline.

Breakthrough Genomics
Classification: Likely benign. Review status: criteria provided, single submitter. Criteria: ACMG Guidelines, 2015. Collection method: not provided. Allele origin: germline. Inheritance: Autosomal recessive inheritance. Affected: yes.